The following is an entry in ClinVar:

NM_000153.4(GALC):c.1151T>A (p.Ile384Asn)

Gene: GALC (galactosylceramidase; minus strand). Cytogenetic location: 14q31.3.
Variant type: single nucleotide variant.
Coding change: c.1151T>A on transcript NM_000153.4 (MANE Select); coding-DNA position 1151, T replaced by A.
Protein change: p.Ile384Asn; replaces isoleucine 384 with asparagine.
Molecular consequence: missense variant. On other transcripts: non-coding transcript variant (1).
Genome position (GRCh38, 1-based): chr14:87,963,394, A>T on the plus strand (T>A on the coding strand, the complement: GALC is on the minus strand). VCF-style: chr14-87963394-A-T. GRCh37 (hg19) VCF-style: chr14-88429738-A-T.
Other names: c.1082T>A, p.Ile361Asn (NM_001201401.2); c.1073T>A, p.Ile358Asn (NM_001201402.2); c.983T>A, p.Ile328Asn (NM_001424071.1, NM_001424072.1, NM_001424073.1); c.803T>A, p.Ile268Asn (NM_001424074.1, NM_001424075.1); c.518T>A, p.Ile173Asn (NM_001424076.1, NM_001424077.1); short protein forms I173N, I268N, I358N, I328N, I361N, I384N.
Identifiers: ClinVar variation 2709647 (VCV002709647.3), dbSNP rs1376496659, ClinGen allele CA390747139.

ClinVar aggregate classification (germline): Likely pathogenic (1 of 4 stars; one submission).

Conditions:
Galactosylceramide beta-galactosidase deficiency. Also called: GALACTOCEREBROSIDASE DEFICIENCY; GALC DEFICIENCY; GLOBOID CELL LEUKOENCEPHALOPATHY; Leukodystrophy, Globoid Cell; Krabbe Disease. Identifiers: Orphanet 487, MedGen C0023521, MONDO:0009499, OMIM 245200.

Submission:

Labcorp Genetics (formerly Invitae), Labcorp
Classification: Likely pathogenic for Galactosylceramide beta-galactosidase deficiency. Last evaluated: 2024-01-16. Review status: criteria provided, single submitter. Criteria: Invitae Variant Classification Sherloc (09022015). Collection method: clinical testing. Allele origin: germline.
Comment: This sequence change replaces isoleucine, which is neutral and non-polar, with asparagine, which is neutral and polar, at codon 384 of the GALC protein (p.Ile384Asn). This variant is not present in population databases (gnomAD no frequency). This variant has not been reported in the literature in individuals affected with GALC-related conditions. Advanced modeling of protein sequence and biophysical properties (such as structural, functional, and spatial information, amino acid conservation, physicochemical variation, residue mobility, and thermodynamic stability) performed at Invitae indicates that this missense variant is expected to disrupt GALC protein function with a positive predictive value of 95%. This variant disrupts the p.Ile384 amino acid residue in GALC. Other variant(s) that disrupt this residue have been determined to be pathogenic (PMID: 20886637, 30729410). This suggests that this residue is clinically significant, and that variants that disrupt this residue are likely to be disease-causing. In summary, the currently available evidence indicates that the variant is pathogenic, but additional data are needed to prove that conclusively. Therefore, this variant has been classified as Likely Pathogenic.

Literature cited by the submitters: PubMed 20886637; PubMed 30729410.